The following is an entry in ClinVar:

NM_000180.4(GUCY2D):c.1258C>G (p.Leu420Val)

Gene: GUCY2D (guanylate cyclase 2D, retinal; plus strand). Cytogenetic location: 17p13.1.
Variant type: single nucleotide variant.
Coding change: c.1258C>G on transcript NM_000180.4 (MANE Select); coding-DNA position 1258, C replaced by G.
Protein change: p.Leu420Val; replaces leucine 420 with valine.
Molecular consequence: missense variant.
Genome position (GRCh38, 1-based): chr17:8,006,594, C>G. VCF-style: chr17-8006594-C-G. GRCh37 (hg19) VCF-style: chr17-7909912-C-G.
Other names: short protein forms L420V.
Identifiers: ClinVar variation 3753378 (VCV003753378.2).

ClinVar aggregate classification (germline): Uncertain significance (1 of 4 stars; one submission).

Conditions:
Cone-rod dystrophy 6 (CORD6). Also called: Cone dystrophy progressive; RETINAL CONE DYSTROPHY 2. Identifiers: Orphanet 1872, MedGen C1866293, MONDO:0011143, OMIM 601777.
Leber congenital amaurosis 1 (LCA1). Also called: AMAUROSIS CONGENITA OF LEBER I; Congenital absence of the rods and cones; Leber's congenital tapetoretinal degeneration; Leber's congenital tapetoretinal dysplasia; RETINAL BLINDNESS, CONGENITAL. Identifiers: Orphanet 65, MedGen C2931258, MONDO:0008764, OMIM 204000.

gnomAD v4.1: 3 of 1,613,544 alleles (0.00019%); highest among the groups gnomAD compares: Non-Finnish European, 0.00025%; no homozygotes.

Submission:

Labcorp Genetics (formerly Invitae), Labcorp
Classification: Uncertain significance for Leber congenital amaurosis 1; Cone-rod dystrophy 6. Last evaluated: 2024-04-02. Review status: criteria provided, single submitter. Criteria: Invitae Variant Classification Sherloc (09022015). Collection method: clinical testing. Allele origin: germline.
Comment: This sequence change replaces leucine, which is neutral and non-polar, with valine, which is neutral and non-polar, at codon 420 of the GUCY2D protein (p.Leu420Val). This variant is not present in population databases (gnomAD no frequency). This variant has not been reported in the literature in individuals affected with GUCY2D-related conditions. Advanced modeling of protein sequence and biophysical properties (such as structural, functional, and spatial information, amino acid conservation, physicochemical variation, residue mobility, and thermodynamic stability) performed at Invitae indicates that this missense variant is not expected to disrupt GUCY2D protein function with a negative predictive value of 80%. In summary, the available evidence is currently insufficient to determine the role of this variant in disease. Therefore, it has been classified as a Variant of Uncertain Significance.